The following is an entry in ClinVar:

NM_004370.6(COL12A1):c.4215G>A (p.Trp1405Ter)

Gene: COL12A1 (collagen type XII alpha 1 chain; minus strand). Cytogenetic location: 6q13.
Variant type: single nucleotide variant.
Coding change: c.4215G>A on transcript NM_004370.6 (MANE Select); coding-DNA position 4215, G replaced by A.
Protein change: p.Trp1405Ter; replaces tryptophan 1405 with a stop codon.
Molecular consequence: nonsense.
Genome position (GRCh38, 1-based): chr6:75,148,430, C>T on the plus strand (G>A on the coding strand, the complement: COL12A1 is on the minus strand). VCF-style: chr6-75148430-C-T. GRCh37 (hg19) VCF-style: chr6-75858146-C-T.
Other names: p.Trp1405*; c.4215G>A, p.Trp1405Ter (NM_001424113.1, NM_001424114.1); c.3942G>A, p.Trp1314Ter (NM_001424115.1); c.723G>A, p.Trp241Ter (NM_001424116.1, NM_080645.3); short protein forms W1314*, W1405*, W241*.
Identifiers: ClinVar variation 3381011 (VCV003381011.1).

ClinVar aggregate classification (germline): Likely pathogenic (1 of 4 stars; one submission).

Submission:

Mayo Clinic Laboratories, Mayo Clinic
Classification: Likely pathogenic. Last evaluated: 2024-01-29. Review status: criteria provided, single submitter. Criteria: ACMG Guidelines, 2015. Collection method: clinical testing. Allele origin: germline. Observed: 1 variant allele.
Comment: PM2, PVS1